The following is an entry in ClinVar:

NM_031935.3(HMCN1):c.4492G>A (p.Asp1498Asn)

Gene: HMCN1 (hemicentin 1; plus strand). Cytogenetic location: 1q31.1.
Variant type: single nucleotide variant.
Coding change: c.4492G>A on transcript NM_031935.3 (MANE Select); coding-DNA position 4492, G replaced by A.
Protein change: p.Asp1498Asn; replaces aspartic acid 1498 with asparagine.
Molecular consequence: missense variant.
Genome position (GRCh38, 1-based): chr1:186,007,144, G>A. VCF-style: chr1-186007144-G-A. GRCh37 (hg19) VCF-style: chr1-185976276-G-A.
Other names: short protein forms D1498N.
Identifiers: ClinVar variation 294149 (VCV000294149.11), dbSNP rs762354666, ClinGen allele CA1292038.

ClinVar aggregate classification (germline): Uncertain significance. Review status: criteria provided, multiple submitters, no conflicts (2 of 4 stars). 3 submissions from 3 submitters: Uncertain significance (3). Last evaluated 2025-03-19.

Conditions:
Age related macular degeneration 1 (ARMD1). Also called: MACULOPATHY, AGE-RELATED, 1. Identifiers: MedGen C1864205, MONDO:0011285, OMIM 603075.

Allele frequency attached by ClinVar (database versions not stated): gnomAD 0.00001; TOPMed 0.00002; gnomAD exomes 0.00009; ExAC 0.00010.
gnomAD v4.1: 27 of 1,612,344 alleles (0.0017%); highest among the groups gnomAD compares: Admixed American, 0.033%; no homozygotes.

Submissions (3):

Labcorp Genetics (formerly Invitae), Labcorp
Classification: Uncertain significance. Last evaluated: 2025-03-19. Review status: criteria provided, single submitter. Criteria: Invitae Variant Classification Sherloc (09022015). Collection method: clinical testing. Allele origin: germline.
Comment: This sequence change replaces aspartic acid, which is acidic and polar, with asparagine, which is neutral and polar, at codon 1498 of the HMCN1 protein (p.Asp1498Asn). This variant is present in population databases (rs762354666, gnomAD 0.04%). This variant has not been reported in the literature in individuals affected with HMCN1-related conditions. ClinVar contains an entry for this variant (Variation ID: 294149). An algorithm developed to predict the effect of missense changes on protein structure and function (PolyPhen-2) suggests that this variant is likely to be disruptive. In summary, the available evidence is currently insufficient to determine the role of this variant in disease. Therefore, it has been classified as a Variant of Uncertain Significance.

Genome-Nilou Lab
Classification: Uncertain significance for Age related macular degeneration 1. Last evaluated: 2023-04-11. Review status: criteria provided, single submitter. Criteria: ACMG Guidelines, 2015. Collection method: clinical testing. Allele origin: germline. Affected: no.

Illumina Laboratory Services, Illumina
Classification: Uncertain significance for Age related macular degeneration 1. Last evaluated: 2018-01-12. Review status: criteria provided, single submitter. Criteria: ICSL Variant Classification Criteria 13 December 2019. Collection method: clinical testing. Allele origin: germline.